The following is an entry in ClinVar:

ClinVar aggregate classification (germline): Uncertain significance (1 of 4 stars; one submission).

Conditions:
Congenital sideroblastic anemia-B-cell immunodeficiency-periodic fever-developmental delay syndrome. Also called: Sideroblastic anemia with B-cell immunodeficiency, periodic fevers, and developmental delay. Identifiers: Orphanet 369861, MedGen C4015172, MONDO:0014487, OMIM 616084.

Allele frequency attached by ClinVar (database versions not stated): gnomAD exomes below 0.00001; TOPMed below 0.00001; gnomAD 0.00001.
gnomAD v4.1: 3 of 1,613,620 alleles (0.00019%); highest among the groups gnomAD compares: African/African-American, 0.0013%; no homozygotes.

Submission:

Labcorp Genetics (formerly Invitae), Labcorp
Classification: Uncertain significance for Congenital sideroblastic anemia-B-cell immunodeficiency-periodic fever-developmental delay syndrome. Last evaluated: 2022-07-23. Review status: criteria provided, single submitter. Criteria: Invitae Variant Classification Sherloc (09022015). Collection method: clinical testing. Allele origin: germline.
Comment: This sequence change replaces isoleucine, which is neutral and non-polar, with serine, which is neutral and polar, at codon 98 of the TRNT1 protein (p.Ile98Ser). This variant is not present in population databases (gnomAD no frequency). This variant has not been reported in the literature in individuals affected with TRNT1-related conditions. Algorithms developed to predict the effect of missense changes on protein structure and function (SIFT, PolyPhen-2, Align-GVGD) all suggest that this variant is likely to be disruptive. In summary, the available evidence is currently insufficient to determine the role of this variant in disease. Therefore, it has been classified as a Variant of Uncertain Significance.

NM_182916.3(TRNT1):c.293T>G (p.Ile98Ser)

Gene: TRNT1 (tRNA nucleotidyl transferase 1; plus strand). Cytogenetic location: 3p26.2.
Variant type: single nucleotide variant.
Coding change: c.293T>G on transcript NM_182916.3 (MANE Select); coding-DNA position 293, T replaced by G.
Protein change: p.Ile98Ser; replaces isoleucine 98 with serine.
Molecular consequence: missense variant. On other transcripts: non-coding transcript variant (8).
Genome position (GRCh38, 1-based): chr3:3,137,404, T>G. VCF-style: chr3-3137404-T-G. GRCh37 (hg19) VCF-style: chr3-3179088-T-G.
Other names: c.293T>G, p.Ile98Ser (NM_001302946.2, NM_001367321.1, NM_001367322.1 and 1 more transcripts); short protein forms I98S.
Identifiers: ClinVar variation 2194104 (VCV002194104.1), dbSNP rs1428308057, ClinGen allele CA351443237.